The following is an entry in ClinVar:

ClinVar aggregate classification (germline): Uncertain significance (1 of 4 stars; one submission).

Submission:

GeneDx
Classification: Uncertain significance. Last evaluated: 2023-11-05. Review status: criteria provided, single submitter. Criteria: GeneDx Variant Classification Process June 2021. Collection method: clinical testing. Allele origin: germline. Affected: yes.
Comment: Not observed at significant frequency in large population cohorts (gnomAD); In silico analysis supports that this missense variant has a deleterious effect on protein structure/function; Has not been previously published as pathogenic or benign to our knowledge

NM_000827.4(GRIA1):c.1042G>T (p.Gly348Cys)

Gene: GRIA1 (glutamate ionotropic receptor AMPA type subunit 1; plus strand). Cytogenetic location: 5q33.2.
Variant type: single nucleotide variant.
Coding change: c.1042G>T on transcript NM_000827.4 (MANE Select); coding-DNA position 1042, G replaced by T.
Protein change: p.Gly348Cys; replaces glycine 348 with cysteine.
Molecular consequence: missense variant. On other transcripts: non-coding transcript variant (2).
Genome position (GRCh38, 1-based): chr5:153,686,237, G>T. VCF-style: chr5-153686237-G-T. GRCh37 (hg19) VCF-style: chr5-153065797-G-T.
Other names: c.1042G>T, p.Gly348Cys (NM_001114183.2); c.802G>T, p.Gly268Cys (NM_001258019.2); c.757G>T, p.Gly253Cys (NM_001258020.2); c.1072G>T, p.Gly358Cys (NM_001258021.2, NM_001258022.2); c.835G>T, p.Gly279Cys (NM_001258023.1, NM_001364167.2); c.874G>T, p.Gly292Cys (NM_001364165.2); c.1069G>T, p.Gly357Cys (NM_001364166.2); short protein forms G253C, G268C, G279C, G292C, G348C, G357C, G358C.
Identifiers: ClinVar variation 3363929 (VCV003363929.1).
Genomic context (GRCh38, chr5:153,686,237, plus strand): 5'-ATAAAGTACATCTGAGTTCACTGCCCACCACTTGGTTTTGTTTTCCAGGTGCGATTTGAA[G>T]GTTTAACAGGAAACGTGCAGTTTAATGAGAAAGGACGCCGGACCAACTACACGCTCCACG-3'
Protein context (NP_000818.2, residues 338-358): QRALQQVRFE[Gly348Cys]LTGNVQFNEK